The following is an entry in ClinVar:

ClinVar aggregate classification (germline): Benign. Review status: criteria provided, multiple submitters, no conflicts (2 of 4 stars). 3 submissions from 3 submitters: Benign (2). 1 of the submissions does not count toward it. Last evaluated 2019-12-31.

Conditions:
TSPAN7-related disorder. Also called: TSPAN7-related condition.

Allele frequency attached by ClinVar (database versions not stated): TOPMed 0.00047; ESP Exome Variant Server 0.00095.
gnomAD v4.1: 785 of 1,209,123 alleles (0.065%); highest among the groups gnomAD compares: Middle Eastern, 0.023%; 3 homozygotes.

Submissions (3):

Labcorp Genetics (formerly Invitae), Labcorp
Classification: Benign. Last evaluated: 2019-12-31. Review status: criteria provided, single submitter. Criteria: Invitae Variant Classification Sherloc (09022015). Collection method: clinical testing. Allele origin: germline.

Genetic Services Laboratory, University of Chicago
Classification: Benign. Last evaluated: 2019-02-14. Review status: criteria provided, single submitter. Criteria: ACMG Guidelines, 2015. Collection method: clinical testing. Allele origin: germline. Affected: no.

PreventionGenetics, part of Exact Sciences
Classification: Benign for TSPAN7-related condition. Last evaluated: 2019-08-30. Review status: no assertion criteria provided. Collection method: clinical testing. Allele origin: germline. Not counted in ClinVar's aggregate classification.
Comment: This variant is classified as benign based on ACMG/AMP sequence variant interpretation guidelines (Richards et al. 2015 PMID: 25741868, with internal and published modifications).

NM_004615.4(TSPAN7):c.516C>A (p.Pro172=)

Gene: TSPAN7 (tetraspanin 7; plus strand). Cytogenetic location: Xp11.4.
Variant type: single nucleotide variant.
Coding change: c.516C>A on transcript NM_004615.4 (MANE Select); coding-DNA position 516, C replaced by A.
Protein change: p.Pro172=; no amino-acid change (proline 172 retained).
Molecular consequence: synonymous variant.
Genome position (GRCh38, 1-based): chrX:38,675,779, C>A. VCF-style: chrX-38675779-C-A. GRCh37 (hg19) VCF-style: chrX-38535033-C-A.
Identifiers: ClinVar variation 731385 (VCV000731385.10), dbSNP rs142657644, ClinGen allele CA10386121.